The following is an entry in ClinVar:

NM_006208.3(ENPP1):c.1164+7A>C

Gene: ENPP1 (ectonucleotide pyrophosphatase/phosphodiesterase 1; plus strand). Cytogenetic location: 6q23.2.
Variant type: single nucleotide variant.
Coding change: c.1164+7A>C on transcript NM_006208.3 (MANE Select); 7 bases into the intron after coding-DNA position 1164, A replaced by C.
Molecular consequence: intron variant.
Genome position (GRCh38, 1-based): chr6:131,864,945, A>C. VCF-style: chr6-131864945-A-C. GRCh37 (hg19) VCF-style: chr6-132186085-A-C.
Identifiers: ClinVar variation 2981077 (VCV002981077.3), dbSNP rs367832320, ClinGen allele CA147937858.

ClinVar aggregate classification (germline): Uncertain significance (1 of 4 stars; one submission).

Allele frequency attached by ClinVar (database versions not stated): gnomAD exomes 0.00001; ESP Exome Variant Server 0.00008; TOPMed 0.00002; gnomAD 0.00002.
gnomAD v4.1: 12 of 1,550,988 alleles (0.00077%); highest among the groups gnomAD compares: Admixed American, 0.0067%; no homozygotes.

Submission:

Labcorp Genetics (formerly Invitae), Labcorp
Classification: Uncertain significance. Last evaluated: 2025-02-27. Review status: criteria provided, single submitter. Criteria: Invitae Variant Classification Sherloc (09022015). Collection method: clinical testing. Allele origin: germline.
Comment: This sequence change falls in intron 11 of the ENPP1 gene. It does not directly change the encoded amino acid sequence of the ENPP1 protein. This variant is present in population databases (rs367832320, gnomAD 0.006%). This variant has not been reported in the literature in individuals affected with ENPP1-related conditions. ClinVar contains an entry for this variant (Variation ID: 2981077). Algorithms developed to predict the effect of sequence changes on RNA splicing suggest that this variant may disrupt the consensus splice site. In summary, the available evidence is currently insufficient to determine the role of this variant in disease. Therefore, it has been classified as a Variant of Uncertain Significance.